The following is an entry in ClinVar:

ClinVar aggregate classification (germline): Pathogenic (1 of 4 stars; one submission).

Submission:

Labcorp Genetics (formerly Invitae), Labcorp
Classification: Pathogenic. Last evaluated: 2022-04-22. Review status: criteria provided, single submitter. Criteria: Invitae Variant Classification Sherloc (09022015). Collection method: clinical testing. Allele origin: germline.
Comment: This sequence change creates a premature translational stop signal (p.Thr2138Serfs*20) in the VCAN gene. It is expected to result in an absent or disrupted protein product. Loss-of-function variants in VCAN are known to be pathogenic (PMID: 26720455). For these reasons, this variant has been classified as Pathogenic. This variant has not been reported in the literature in individuals affected with VCAN-related conditions. This variant is not present in population databases (gnomAD no frequency).

Literature cited by the submitters: PubMed 26720455.

NM_004385.5(VCAN):c.6412_6415del (p.Thr2138fs)

Genes: VCAN (versican; plus strand), VCAN-AS1 (VCAN antisense RNA 1; minus strand). Cytogenetic location: 5q14.3.
Variant type: Microsatellite.
Coding change: c.6412_6415del on transcript NM_004385.5 (MANE Select); coding-DNA positions 6412 to 6415, 4 bases deleted (ACAA; older notation c.6412_6415delACAA).
Protein change: p.Thr2138fs; shifts the reading frame from threonine 2138.
Molecular consequence: frameshift variant. On other transcripts: intron variant (2).
Genome position (GRCh38, 1-based): chr5:83,539,415-83,539,418, ACAA deleted; deleting any 4 consecutive bases within chr5:83,539,410-83,539,418 gives the same sequence; the c. name uses the placement nearest the transcript's 3' end. VCF-style (leftmost placement, unchanged base first): chr5-83539409-GAACA-G. GRCh37 (hg19) VCF-style: chr5-82835228-GAACA-G.
Other names: c.3451_3454del, p.Thr1151fs (NM_001164097.2); c.4004-6122_4004-6119del (NM_001164098.2); c.1043-6122_1043-6119del (NM_001126336.3); short protein forms T2138fs, T1151fs.
Identifiers: ClinVar variation 2129440 (VCV002129440.4), dbSNP rs2479113487, ClinGen allele CA645545828.